The following is an entry in ClinVar:

NM_001211.6(BUB1B):c.1423A>G (p.Lys475Glu)

Gene: BUB1B (BUB1 mitotic checkpoint serine/threonine kinase B; plus strand). Cytogenetic location: 15q15.1.
Variant type: single nucleotide variant.
Coding change: c.1423A>G on transcript NM_001211.6 (MANE Select); coding-DNA position 1423, A replaced by G.
Protein change: p.Lys475Glu; replaces lysine 475 with glutamic acid.
Molecular consequence: missense variant.
Genome position (GRCh38, 1-based): chr15:40,200,265, A>G. VCF-style: chr15-40200265-A-G. GRCh37 (hg19) VCF-style: chr15-40492466-A-G.
Other names: short protein forms K475E.
Identifiers: ClinVar variation 4600284 (VCV004600284.1).

ClinVar aggregate classification (germline): Uncertain significance (1 of 4 stars; one submission).

Conditions:
Inborn genetic diseases. Identifiers: MedGen C0950123, MeSH D030342.

Submission:

Ambry Genetics
Classification: Uncertain significance for Inborn genetic diseases. Last evaluated: 2025-09-28. Review status: criteria provided, single submitter. Criteria: Ambry Variant Classification Scheme 2023. Collection method: clinical testing. Allele origin: germline.
Comment: The p.K475E variant (also known as c.1423A>G), located in coding exon 11 of the BUB1B gene, results from an A to G substitution at nucleotide position 1423. The lysine at codon 475 is replaced by glutamic acid, an amino acid with similar properties. This amino acid position is conserved. In addition, this alteration is predicted to be tolerated by in silico analysis. Based on the available evidence, the clinical significance of this variant remains unclear.